The following is an entry in ClinVar:

NM_005591.4(MRE11):c.832G>T (p.Glu278Ter)

Gene: MRE11 (MRE11 double strand break repair nuclease; minus strand). Cytogenetic location: 11q21.
Variant type: single nucleotide variant.
Coding change: c.832G>T on transcript NM_005591.4 (MANE Select); coding-DNA position 832, G replaced by T.
Protein change: p.Glu278Ter; replaces glutamic acid 278 with a stop codon.
Molecular consequence: nonsense.
Genome position (GRCh38, 1-based): chr11:94,471,587, C>A on the plus strand (G>T on the coding strand, the complement: MRE11 is on the minus strand). VCF-style: chr11-94471587-C-A. GRCh37 (hg19) VCF-style: chr11-94204753-C-A.
Other names: c.832G>T, p.Glu278Ter (NM_001330347.2, NM_005590.4); short protein forms E278*.
Identifiers: ClinVar variation 2451353 (VCV002451353.2), dbSNP rs1160887570, ClinGen allele CA382375475.

ClinVar aggregate classification (germline): Pathogenic (1 of 4 stars; one submission).

Conditions:
Hereditary cancer-predisposing syndrome. Also called: Neoplastic Syndromes, Hereditary; Tumor predisposition; Hereditary neoplastic syndrome; Hereditary Cancer Syndrome. Identifiers: Orphanet 140162, MedGen C0027672, MeSH D009386, MONDO:0015356.

Allele frequency attached by ClinVar (database versions not stated): gnomAD exomes below 0.00001.
gnomAD v4.1: 1 of 1,612,434 alleles (0.000062%); highest among the groups gnomAD compares: Admixed American, 0.0017%; no homozygotes.

Submission:

Ambry Genetics
Classification: Pathogenic for Hereditary cancer-predisposing syndrome. Last evaluated: 2022-11-21. Review status: criteria provided, single submitter. Criteria: Ambry Variant Classification Scheme 2023. Collection method: clinical testing. Allele origin: germline.
Comment: The p.E278* pathogenic mutation (also known as c.832G>T), located in coding exon 7 of the MRE11A gene, results from a G to T substitution at nucleotide position 832. This changes the amino acid from a glutamic acid to a stop codon within coding exon 7. This variant is considered to be rare based on population cohorts in the Genome Aggregation Database (gnomAD). This alteration is expected to result in loss of function by premature protein truncation or nonsense-mediated mRNA decay. As such, this alteration is interpreted as a disease-causing mutation.